The following is an entry in ClinVar:

ClinVar aggregate classification (germline): Likely benign (1 of 4 stars; one submission).

Allele frequency attached by ClinVar (database versions not stated): gnomAD 0.18893.

Submission:

CeGaT Center for Human Genetics Tuebingen
Classification: Likely benign. Last evaluated: 2026-07-01. Review status: criteria provided, single submitter. Criteria: CeGaT Center For Human Genetics Tuebingen Variant Classification Criteria Version 2. Collection method: clinical testing. Allele origin: germline. Affected: yes. Observed: 4 variant alleles.
Comment: SAMD1: BP4, BP7

NM_138352.3(SAMD1):c.660G>C (p.Pro220=)

Gene: SAMD1 (sterile alpha motif domain containing 1; minus strand). Cytogenetic location: 19p13.12.
Variant type: single nucleotide variant.
Coding change: c.660G>C on transcript NM_138352.3 (MANE Select); coding-DNA position 660, G replaced by C.
Protein change: p.Pro220=; no amino-acid change (proline 220 retained).
Molecular consequence: synonymous variant.
Genome position (GRCh38, 1-based): chr19:14,090,079, C>G on the plus strand (G>C on the coding strand, the complement: SAMD1 is on the minus strand). VCF-style: chr19-14090079-C-G. GRCh37 (hg19) VCF-style: chr19-14200891-C-G.
Identifiers: ClinVar variation 3234186 (VCV003234186.20), dbSNP rs1378531893, ClinGen allele CA505794121.